The following is an entry in ClinVar:

NM_004519.4(KCNQ3):c.2462A>G (p.Asn821Ser)

Gene: KCNQ3 (potassium voltage-gated channel subfamily Q member 3; minus strand). Cytogenetic location: 8q24.22.
Variant type: single nucleotide variant.
Coding change: c.2462A>G on transcript NM_004519.4 (MANE Select); coding-DNA position 2462, A replaced by G.
Protein change: p.Asn821Ser; replaces asparagine 821 with serine.
Molecular consequence: missense variant.
Genome position (GRCh38, 1-based): chr8:132,129,419, T>C on the plus strand (A>G on the coding strand, the complement: KCNQ3 is on the minus strand). VCF-style: chr8-132129419-T-C. GRCh37 (hg19) VCF-style: chr8-133141666-T-C.
Other names: p.N821S:AAT>AGT; c.2102A>G, p.Asn701Ser (NM_001204824.2); short protein forms N821S, N701S.
Identifiers: ClinVar variation 21412 (VCV000021412.51), dbSNP rs118192254, ClinGen allele CA240525.

ClinVar aggregate classification (germline): Conflicting classifications of pathogenicity. Review status: criteria provided, conflicting classifications (1 of 4 stars). 7 submissions from 7 submitters: Uncertain significance (1); Benign (2); Likely benign (3). 1 of the submissions does not count toward it. Last evaluated 2026-01-21.

Conditions:
Inborn genetic diseases. Identifiers: MedGen C0950123, MeSH D030342.
Benign neonatal seizures. Also called: Benign neonatal familial convulsions; Benign familial neonatal epilepsy; Benign familial neonatal seizures; Convulsions benign familial neonatal dominant form; Autosomal dominant form of benign neonatal seizures. Identifiers: Orphanet 1949, MedGen C0220669, MONDO:0016027.
Seizures, benign familial neonatal, 2. Also called: Benign Neonatal Epilepsy 2; Seizures, benign neonatal, 2; CONVULSIONS, BENIGN FAMILIAL NEONATAL, 2; KCNQ3-Related Self-Limited Familial Neonatal Epilepsy (SLFNE); KCNQ3-Related Benign Familial Neonatal Epilepsy. Identifiers: Orphanet 1949, MedGen C1852581, MONDO:0007366, OMIM 121201.

Allele frequency attached by ClinVar (database versions not stated): ESP Exome Variant Server 0.00031; 1000 Genomes Project 0.00040; TOPMed 0.00041; gnomAD exomes 0.00014 and 0.00022; gnomAD 0.00021 and 0.00023; ExAC 0.00022; 1000 Genomes Project 30x 0.00047.
gnomAD v4.1: 253 of 1,614,168 alleles (0.016%); highest among the groups gnomAD compares: Middle Eastern, 0.12%; no homozygotes.

Submissions (7):

Labcorp Genetics (formerly Invitae), Labcorp
Classification: Likely benign for Benign neonatal seizures. Last evaluated: 2026-01-21. Review status: criteria provided, single submitter. Criteria: Invitae Variant Classification Sherloc (09022015). Collection method: clinical testing. Allele origin: germline.

CeGaT Center for Human Genetics Tuebingen
Classification: Likely benign. Last evaluated: 2026-01-01. Review status: criteria provided, single submitter. Criteria: CeGaT Center For Human Genetics Tuebingen Variant Classification Criteria Version 2. Collection method: clinical testing. Allele origin: germline. Affected: yes. Observed: 3 variant alleles.
Comment: KCNQ3: BP4

Blueprint Genetics
Classification: Likely benign. Last evaluated: 2024-11-19. Review status: criteria provided, single submitter. Criteria: ACMG Guidelines, 2015. Collection method: clinical testing. Allele origin: germline.

GeneDx
Classification: Benign. Last evaluated: 2021-03-24. Review status: criteria provided, single submitter. Criteria: GeneDx Variant Classification Process June 2021. Collection method: clinical testing. Allele origin: germline. Affected: yes.
Comment: This variant is associated with the following publications: (PMID: 20437616, 16235065, 18698150, 17765802)

Ambry Genetics
Classification: Benign for Inborn genetic diseases. Last evaluated: 2018-05-30. Review status: criteria provided, single submitter. Criteria: Ambry Variant Classification Scheme 2023. Collection method: clinical testing. Allele origin: germline.

Eurofins Ntd Llc (ga)
Classification: Uncertain significance. Last evaluated: 2014-06-06. Review status: criteria provided, single submitter. Criteria: EGL Classification Definitions 2015. Collection method: clinical testing. Allele origin: germline. Observed: 2 variant alleles, 2 heterozygotes.

GeneReviews
No classification provided. Condition: Seizures, benign familial neonatal, 2. Review status: no classification provided. Collection method: literature only. Allele origin: germline. Not counted in ClinVar's aggregate classification.
Comment: Found in a typical family with BFNE who also had a KCNQ2 deletion/insertion (likely pathogenic); the KCNQ3 variant does not cosegregate with the disease.

Literature cited by the submitters: PubMed 16235065 (cited by Ambry Genetics); PubMed 17765802 (cited by Ambry Genetics); NCBI Bookshelf NBK201978 (cited by GeneReviews).